The following is an entry in ClinVar:

ClinVar aggregate classification (germline): Likely pathogenic (1 of 4 stars; one submission).

Conditions:
Hereditary breast ovarian cancer syndrome. Also called: Hereditary breast and ovarian cancer; Hereditary breast and ovarian cancer syndrome; Breast and ovarian cancer; BRCA1- and BRCA2-Associated Hereditary Breast and Ovarian Cancer; Hereditary breast and/or ovarian cancer syndrome; Hereditary breast and ovarian cancer syndrome (HBOC). Identifiers: Orphanet 145, MedGen C0677776, MeSH D061325, MONDO:0003582. Disease mechanism: loss of function.

Submission:

Women's Health and Genetics/Laboratory Corporation of America, LabCorp
Classification: Likely pathogenic for Hereditary breast ovarian cancer syndrome. Last evaluated: 2021-02-07. Review status: criteria provided, single submitter. Criteria: LabCorp Variant Classification Summary - May 2015. Collection method: clinical testing. Allele origin: germline.
Comment: Variant summary: BRCA1 c.3255_3256delAT (p.Arg1085SerfsX7) results in a premature termination codon, predicted to cause a truncation of the encoded protein or absence of the protein due to nonsense mediated decay, which are commonly known mechanisms for disease. Truncations downstream of this position have been classified as pathogenic by our laboratory. The variant was absent in 250570 control chromosomes. To our knowledge, no occurrence of c.3255_3256delAT in individuals affected with Hereditary Breast And Ovarian Cancer Syndrome and no experimental evidence demonstrating its impact on protein function have been reported. No clinical diagnostic laboratories have submitted clinical-significance assessments for this variant to ClinVar after 2014. Based on the evidence outlined above, the variant was classified as likely pathogenic.

NM_007294.4(BRCA1):c.3255_3256del (p.Arg1085fs)

Genes: BRCA1 (BRCA1 DNA repair associated; minus strand), LOC126862571 (BRD4-independent group 4 enhancer GRCh37_chr17:41243136-41244335; plus strand). Cytogenetic location: 17q21.31.
Variant type: Deletion.
Coding change: c.3255_3256del on transcript NM_007294.4 (MANE Select); coding-DNA positions 3255 to 3256, 2 bases deleted (AT; older notation c.3255_3256delAT).
Protein change: p.Arg1085fs; shifts the reading frame from arginine 1085.
Molecular consequence: frameshift variant. On other transcripts: intron variant (137).
Genome position (GRCh38, 1-based): chr17:43,092,275-43,092,276, AT deleted on the plus strand (AT on the coding strand, the reverse complement: BRCA1 is on the minus strand). VCF-style (leftmost placement, unchanged base first): chr17-43092274-AAT-A. GRCh37 (hg19) VCF-style: chr17-41244291-AAT-A.
Other names: c.3042_3043del, p.Arg1014fs (NM_001407571.1, NM_001407853.1, NM_001407894.1 and 9 more transcripts); c.3255_3256del, p.Arg1085fs (NM_001407581.1, NM_001407582.1, NM_001407583.1 and 30 more transcripts); c.3252_3253del, p.Arg1084fs (NM_001407587.1, NM_001407590.1, NM_001407591.1 and 22 more transcripts); c.3246_3247del, p.Arg1082fs (NM_001407646.1, NM_001407647.1); c.3132_3133del, p.Arg1044fs (NM_001407648.1, NM_001407664.1, NM_001407665.1 and 19 more transcripts); c.3129_3130del, p.Arg1043fs (NM_001407649.1, NM_001407670.1, NM_001407671.1 and 11 more transcripts); c.3177_3178del, p.Arg1059fs (NM_001407653.1, NM_001407654.1, NM_001407655.1 and 4 more transcripts); c.3174_3175del, p.Arg1058fs (NM_001407659.1, NM_001407660.1, NM_001407661.1 and 1 more transcripts); and 41 more; short protein forms R1038fs, R1085fs, R1058fs, R1059fs, R1084fs, R917fs, R997fs, R1037fs.
Identifiers: ClinVar variation 997869 (VCV000997869.2), dbSNP rs2053618983, ClinGen allele CA2260782783.
Genomic context (GRCh38, chr17:43,092,274, plus strand): 5'-GGATGCTTACAATTACTTCCAGGAAGACTTTGTTTATAGACCTCAGGTTGCAAAACCCCT[AAT>A]CTAAGCATAGCATTCAATTTTGGCCCTCTGTTTCTACCTAGTTCTGCTTGAATGTTTTCA-3'